The following is an entry in ClinVar:

ClinVar aggregate classification (germline): Uncertain significance (1 of 4 stars; one submission).

gnomAD v4.1: 1 of 1,611,822 alleles (0.000062%); highest among the groups gnomAD compares: East Asian, 0.0022%; no homozygotes.

Submission:

Women's Health and Genetics/Laboratory Corporation of America, LabCorp
Classification: Uncertain significance. Last evaluated: 2026-04-07. Review status: criteria provided, single submitter. Criteria: LabCorp Variant Classification Summary - May 2015. Collection method: clinical testing. Allele origin: germline.
Comment: Variant summary: GALE c.351G>A (p.Glu117Glu) alters a conserved nucleotide located close to a canonical splice site and therefore could affect mRNA splicing, leading to a significantly altered protein sequence. Several computational tools predict a significant impact on normal splicing: One predict the variant abolishes a 5' splicing donor site. Three predict the variant weakens a 5' donor site. However, these predictions have yet to be confirmed by functional studies. The variant was absent in 251432 control chromosomes. The available data on variant occurrences in the general population are insufficient to allow any conclusion about variant significance. To our knowledge, no occurrence of c.351G>A in individuals affected with GALE-related conditions and no experimental evidence demonstrating its impact on protein function have been reported. No submitters have cited clinical-significance assessments for this variant to ClinVar. Based on the evidence outlined above, the variant was classified as uncertain significance.

NM_001008216.2(GALE):c.351G>A (p.Glu117=)

Gene: GALE (UDP-galactose-4-epimerase; minus strand). Cytogenetic location: 1p36.11.
Variant type: single nucleotide variant.
Coding change: c.351G>A on transcript NM_001008216.2 (MANE Select); coding-DNA position 351, G replaced by A.
Protein change: p.Glu117=; no amino-acid change (glutamic acid 117 retained).
Molecular consequence: synonymous variant.
Genome position (GRCh38, 1-based): chr1:23,798,117, C>T on the plus strand (G>A on the coding strand, the complement: GALE is on the minus strand). VCF-style: chr1-23798117-C-T. GRCh37 (hg19) VCF-style: chr1-24124607-C-T.
Other names: c.351G>A, p.Glu117= (NM_000403.4, NM_001127621.2).
Identifiers: ClinVar variation 4848828 (VCV004848828.1).